The following is an entry in ClinVar:

NM_001386298.1(CIC):c.2677T>C (p.Phe893Leu)

Gene: CIC (capicua transcriptional repressor; plus strand). Cytogenetic location: 19q13.2.
Variant type: single nucleotide variant.
Coding change: c.2677T>C on transcript NM_001386298.1 (MANE Select); coding-DNA position 2677, T replaced by C.
Protein change: p.Phe893Leu; replaces phenylalanine 893 with leucine.
Molecular consequence: missense variant.
Genome position (GRCh38, 1-based): chr19:42,274,460, T>C. VCF-style: chr19-42274460-T-C. GRCh37 (hg19) VCF-style: chr19-42778612-T-C.
Other names: c.2677T>C, p.Phe893Leu (NM_001304815.2, NM_001379480.1, NM_001379482.1 and 1 more transcripts); short protein forms F893L.
Identifiers: ClinVar variation 2649970 (VCV002649970.24), dbSNP rs767308169, ClinGen allele CA308616121.

ClinVar aggregate classification (germline): Benign (1 of 4 stars; one submission).

Allele frequency attached by ClinVar (database versions not stated): TOPMed 0.00022; gnomAD 0.00025; gnomAD exomes 0.00026.
gnomAD v4.1: 102 of 398,990 alleles (0.026%); highest among the groups gnomAD compares: Non-Finnish European, 0.039%; no homozygotes.

Submission:

CeGaT Center for Human Genetics Tuebingen
Classification: Benign. Last evaluated: 2026-06-01. Review status: criteria provided, single submitter. Criteria: CeGaT Center For Human Genetics Tuebingen Variant Classification Criteria Version 2. Collection method: clinical testing. Allele origin: germline. Affected: yes. Observed: 3 variant alleles.
Comment: CIC: BS1, BS2